The following is an entry in ClinVar:

NM_003151.4(STAT4):c.445G>T (p.Ala149Ser)

Gene: STAT4 (signal transducer and activator of transcription 4; minus strand). Cytogenetic location: 2q32.2.
Variant type: single nucleotide variant.
Coding change: c.445G>T on transcript NM_003151.4 (MANE Select); coding-DNA position 445, G replaced by T.
Protein change: p.Ala149Ser; replaces alanine 149 with serine.
Molecular consequence: missense variant.
Genome position (GRCh38, 1-based): chr2:191,073,118, C>A on the plus strand (G>T on the coding strand, the complement: STAT4 is on the minus strand). VCF-style: chr2-191073118-C-A. GRCh37 (hg19) VCF-style: chr2-191937844-C-A.
Other names: c.445G>T, p.Ala149Ser (NM_001243835.2); short protein forms A149S.
Identifiers: ClinVar variation 5020728 (VCV005020728.1).

ClinVar aggregate classification (germline): Uncertain significance (1 of 4 stars; one submission).

Submission:

Dasa
Classification: Uncertain significance. Last evaluated: 2026-01-17. Review status: criteria provided, single submitter. Criteria: DASA Assertion Criteria. Collection method: clinical testing. Allele origin: germline.
Comment: NM_003151.4(STAT4):c.445G>T (p.Ala149Ser) is a missense variant that results in the substitution of alanine with serine. This variant is rare in population databases. Computational prediction algorithms are consistent with a benign effect. The currently available literature and clinical evidence are not sufficient to establish a definitive association between this variant and the reported condition. Therefore, this variant is classified as a variant of uncertain significance.